The following is an entry in ClinVar:

ClinVar aggregate classification (germline): Uncertain significance (1 of 4 stars; one submission).

Conditions:
Acromesomelic dysplasia 1, Maroteaux type (AMD1). Also called: ACROMESOMELIC DYSPLASIA 1; ST. HELENA DYSPLASIA. Identifiers: Orphanet 40, MedGen C1864356, MONDO:0011275, OMIM 602875.
Tall stature-scoliosis-macrodactyly of the great toes syndrome. Also called: Epiphyseal chondrodysplasia, miura type. Identifiers: Orphanet 329191, MedGen C4014690, MONDO:0014401, OMIM 615923.

Allele frequency attached by ClinVar (database versions not stated): gnomAD exomes 0.00001; TOPMed 0.00001; ExAC 0.00002; gnomAD 0.00003.

Submission:

Labcorp Genetics (formerly Invitae), Labcorp
Classification: Uncertain significance for Tall stature-scoliosis-macrodactyly of the great toes syndrome; Acromesomelic dysplasia 1, Maroteaux type. Last evaluated: 2019-07-09. Review status: criteria provided, single submitter. Criteria: Invitae Variant Classification Sherloc (09022015). Collection method: clinical testing. Allele origin: germline.
Comment: In summary, the available evidence is currently insufficient to determine the role of this variant in disease. Therefore, it has been classified as a Variant of Uncertain Significance. Algorithms developed to predict the effect of missense changes on protein structure and function output the following: SIFT: "Tolerated"; PolyPhen-2: "Benign"; Align-GVGD: "Class C0". The glutamine amino acid residue is found in multiple mammalian species, suggesting that this missense change does not adversely affect protein function. These predictions have not been confirmed by published functional studies and their clinical significance is uncertain. This variant has not been reported in the literature in individuals with NPR2-related conditions. This variant is present in population databases (rs766433291, ExAC 0.009%). This sequence change replaces arginine with glutamine at codon 423 of the NPR2 protein (p.Arg423Gln). The arginine residue is highly conserved and there is a small physicochemical difference between arginine and glutamine.

NM_003995.4(NPR2):c.1268G>A (p.Arg423Gln)

Gene: NPR2 (natriuretic peptide receptor 2; plus strand). Cytogenetic location: 9p13.3.
Variant type: single nucleotide variant.
Coding change: c.1268G>A on transcript NM_003995.4 (MANE Select); coding-DNA position 1268, G replaced by A.
Protein change: p.Arg423Gln; replaces arginine 423 with glutamine.
Molecular consequence: missense variant.
Genome position (GRCh38, 1-based): chr9:35,800,758, G>A. VCF-style: chr9-35800758-G-A. GRCh37 (hg19) VCF-style: chr9-35800755-G-A.
Other names: c.1268G>A, p.Arg423Gln (NM_001378923.1); short protein forms R423Q.
Identifiers: ClinVar variation 944231 (VCV000944231.10), dbSNP rs766433291, ClinGen allele CA5051646.